The following is an entry in ClinVar:

NM_001611.5(ACP5):c.733C>T (p.Gln245Ter)

Gene: ACP5 (acid phosphatase 5, tartrate resistant; minus strand). Cytogenetic location: 19p13.2.
Variant type: single nucleotide variant.
Coding change: c.733C>T on transcript NM_001611.5 (MANE Select); coding-DNA position 733, C replaced by T.
Protein change: p.Gln245Ter; replaces glutamine 245 with a stop codon.
Molecular consequence: nonsense.
Genome position (GRCh38, 1-based): chr19:11,576,245, G>A on the plus strand (C>T on the coding strand, the complement: ACP5 is on the minus strand). VCF-style: chr19-11576245-G-A. GRCh37 (hg19) VCF-style: chr19-11687060-G-A.
Other names: c.733C>T, p.Gln245Ter (NM_001111034.3, NM_001111035.3, NM_001111036.3 and 1 more transcripts); short protein forms Q245*.
Identifiers: ClinVar variation 1073554 (VCV001073554.10), dbSNP rs1973142593, ClinGen allele CA404146029.

ClinVar aggregate classification (germline): Pathogenic/Likely pathogenic. Review status: criteria provided, multiple submitters, no conflicts (2 of 4 stars). 2 submissions from 2 submitters: Pathogenic (1); Likely pathogenic (1). Last evaluated 2026-07-01.

Conditions:
Spondyloenchondrodysplasia with immune dysregulation (SPENCDI). Also called: ROIFMAN IMMUNOSKELETAL SYNDROME; COMBINED IMMUNODEFICIENCY WITH AUTOIMMUNITY AND SPONDYLOMETAPHYSEAL DYSPLASIA; SPONDYLOENCHONDRODYSPLASIA WITH OR WITHOUT IMMUNE DYSREGULATION. Identifiers: Orphanet 1855, MedGen C1842763, MONDO:0011939, OMIM 607944.

Allele frequency attached by ClinVar (database versions not stated): TOPMed below 0.00001.

Submissions (2):

CeGaT Center for Human Genetics Tuebingen
Classification: Likely pathogenic. Last evaluated: 2026-07-01. Review status: criteria provided, single submitter. Criteria: CeGaT Center For Human Genetics Tuebingen Variant Classification Criteria Version 2. Collection method: clinical testing. Allele origin: germline. Affected: yes. Observed: 1 variant allele.
Comment: ACP5: PVS1:Strong, PM2, PM3

Labcorp Genetics (formerly Invitae), Labcorp
Classification: Pathogenic for Spondyloenchondrodysplasia with immune dysregulation. Last evaluated: 2022-12-15. Review status: criteria provided, single submitter. Criteria: Invitae Variant Classification Sherloc (09022015). Collection method: clinical testing. Allele origin: germline.
Comment: This sequence change creates a premature translational stop signal (p.Gln245*) in the ACP5 gene. While this is not anticipated to result in nonsense mediated decay, it is expected to disrupt the last 81 amino acid(s) of the ACP5 protein. This variant is not present in population databases (gnomAD no frequency). This variant has not been reported in the literature in individuals affected with ACP5-related conditions. ClinVar contains an entry for this variant (Variation ID: 1073554). Algorithms developed to predict the effect of sequence changes on RNA splicing suggest that this variant may create or strengthen a splice site. This variant disrupts a region of the ACP5 protein in which other variant(s) (p.Ser267*) have been determined to be pathogenic (PMID: 21217752). This suggests that this is a clinically significant region of the protein, and that variants that disrupt it are likely to be disease-causing. For these reasons, this variant has been classified as Pathogenic.

Literature cited by the submitters: PubMed 21217752 (cited by Labcorp Genetics (formerly Invitae), Labcorp).